The following is an entry in ClinVar:

ClinVar aggregate classification (germline): Conflicting classifications of pathogenicity. Review status: criteria provided, conflicting classifications (1 of 4 stars). 14 submissions from 12 submitters: Uncertain significance (1); Benign (1); Likely benign (6). 6 of the submissions do not count toward it. Last evaluated 2026-01-31.

Conditions:
Familial adenomatous polyposis 1 (FAP1). Also called: FAMILIAL ADENOMATOUS POLYPOSIS 1, ATTENUATED; POLYPOSIS, ADENOMATOUS INTESTINAL. Identifiers: MedGen C2713442, MONDO:0021056, OMIM 175100. Disease mechanism: loss of function.
APC-related disorder. Also called: APC-related condition.
Intrahepatic cholangiocarcinoma. Identifiers: MedGen C0345905, MONDO:0003210.
Hereditary cancer-predisposing syndrome. Also called: Tumor predisposition; Hereditary neoplastic syndrome; Neoplastic Syndromes, Hereditary; Hereditary Cancer Syndrome. Identifiers: Orphanet 140162, MedGen C0027672, MeSH D009386, MONDO:0015356.
Desmoid disease, hereditary (DESMD). Also called: FIBROMATOSIS, FAMILIAL INFILTRATIVE. Identifiers: Orphanet 873, MedGen C1851124, OMIM 135290. Disease mechanism: loss of function.
Hepatocellular carcinoma (HCC). Also called: HEPATOMA; LIVER CELL CARCINOMA; Primary carcinoma of liver. Identifiers: Orphanet 88673, MedGen C2239176, MONDO:0007256, OMIM 114550, HP:0001402.
Neoplasm of the liver. Identifiers: MedGen C0023903, HP:0002896.

Allele frequency attached by ClinVar (database versions not stated): gnomAD 0.00005 and 0.00006; TOPMed 0.00006; gnomAD exomes 0.00005 and 0.00016; ExAC 0.00019.
gnomAD v4.1: 73 of 1,612,038 alleles (0.0045%); highest among the groups gnomAD compares: East Asian, 0.12%; no homozygotes.

Submissions (14):

Labcorp Genetics (formerly Invitae), Labcorp
Classification: Likely benign for Familial adenomatous polyposis 1. Last evaluated: 2026-01-31. Review status: criteria provided, single submitter. Criteria: Invitae Variant Classification Sherloc (09022015). Collection method: clinical testing. Allele origin: germline.

Ambry Genetics
Classification: Likely benign for Hereditary cancer-predisposing syndrome. Last evaluated: 2024-09-24. Review status: criteria provided, single submitter. Criteria: Ambry Variant Classification Scheme 2023. Collection method: clinical testing. Allele origin: germline.

Myriad Genetics, Inc.
Classification: Likely benign for Familial adenomatous polyposis 1. Last evaluated: 2023-02-21. Review status: criteria provided, single submitter. Criteria: Myriad Autosomal Dominant, Autosomal Recessive and X-Linked Classification Criteria (2023). Collection method: clinical testing. Allele origin: unknown.
Comment: This variant is considered likely benign. This variant has been observed at a population frequency that is significantly greater than expected given the associated disease prevalence and penetrance.

Department of Pathology and Laboratory Medicine, Sinai Health System
Classification: Likely benign for Familial adenomatous polyposis 1; Desmoid disease, hereditary. Last evaluated: 2022-11-02. Review status: criteria provided, single submitter. Criteria: ACMG Guidelines, 2015. Collection method: clinical testing. Allele origin: germline. Affected: yes.

Quest Diagnostics Nichols Institute San Juan Capistrano
Classification: Benign. Last evaluated: 2021-07-28. Review status: criteria provided, single submitter. Criteria: Quest Diagnostics criteria. Collection method: clinical testing. Allele origin: unknown.

GeneDx
Classification: Likely benign. Last evaluated: 2021-06-15. Review status: criteria provided, single submitter. Criteria: GeneDx Variant Classification Process June 2021. Collection method: clinical testing. Allele origin: germline. Affected: yes.
Comment: This variant is associated with the following publications: (PMID: 24728327, 26530882, 28135048, 28195569, 28873162, 25479140)

Color Diagnostics, LLC DBA Color Health
Classification: Likely benign for Hereditary cancer-predisposing syndrome. Last evaluated: 2020-11-10. Review status: criteria provided, single submitter. Criteria: ACMG Guidelines, 2015. Collection method: clinical testing. Allele origin: germline.

AiLife Diagnostics
Classification: Uncertain significance. Last evaluated: 2020-05-07. Review status: criteria provided, single submitter. Criteria: ACMG Guidelines, 2015. Collection method: clinical testing. Allele origin: germline. Affected: yes. Observed: 1 variant allele.

PreventionGenetics, part of Exact Sciences
Classification: Likely benign for APC-related condition. Last evaluated: 2020-03-06. Review status: no assertion criteria provided. Collection method: clinical testing. Allele origin: germline. Not counted in ClinVar's aggregate classification.
Comment: This variant is classified as likely benign based on ACMG/AMP sequence variant interpretation guidelines (Richards et al. 2015 PMID: 25741868, with internal and published modifications).

3DMed Clinical Laboratory Inc
Classification: Uncertain significance for Neoplasm of the liver. Last evaluated: 2018-05-21. Review status: no assertion criteria provided. Criteria: ACMG Guidelines, 2015. Collection method: clinical testing. Allele origin: germline. Affected: yes. Not counted in ClinVar's aggregate classification.

3DMed Clinical Laboratory Inc
Classification: Uncertain significance for Hepatocellular carcinoma. Last evaluated: 2018-05-21. Review status: no assertion criteria provided. Criteria: ACMG Guidelines, 2015. Collection method: clinical testing. Allele origin: germline. Affected: yes. Not counted in ClinVar's aggregate classification.

3DMed Clinical Laboratory Inc
Classification: Uncertain significance for Intrahepatic Cholangiocarcinoma. Last evaluated: 2018-05-21. Review status: no assertion criteria provided. Criteria: ACMG Guidelines, 2015. Collection method: clinical testing. Allele origin: germline. Affected: yes. Not counted in ClinVar's aggregate classification.

Counsyl
Classification: Uncertain significance for Familial adenomatous polyposis 1. Last evaluated: 2017-02-08. Review status: no assertion criteria provided. Collection method: clinical testing. Allele origin: unknown. Not counted in ClinVar's aggregate classification.

ITMI
No classification provided. Condition: AllHighlyPenetrant. Last evaluated: 2013-09-19. Review status: no classification provided. Collection method: reference population. Allele origin: germline. Not counted in ClinVar's aggregate classification.
Comment: Please see associated publication for description of ethnicities

Literature cited by the submitters: PubMed 25479140 (cited by Department of Pathology and Laboratory Medicine, Sinai Health System and Counsyl); PubMed 32390703 (cited by Quest Diagnostics Nichols Institute San Juan Capistrano); PubMed 24728327 (cited by 3 submitters); PubMed 26530882 (cited by 3 submitters); PubMed 28135048 (cited by Quest Diagnostics Nichols Institute San Juan Capistrano and AiLife Diagnostics); PubMed 28195569 (cited by AiLife Diagnostics).

NM_000038.6(APC):c.8332G>T (p.Ala2778Ser)

Gene: APC (APC regulator of Wnt signaling pathway; plus strand). Cytogenetic location: 5q22.2.
Variant type: single nucleotide variant.
Coding change: c.8332G>T on transcript NM_000038.6 (MANE Select); coding-DNA position 8332, G replaced by T.
Protein change: p.Ala2778Ser; replaces alanine 2778 with serine.
Molecular consequence: missense variant.
Genome position (GRCh38, 1-based): chr5:112,843,926, G>T. VCF-style: chr5-112843926-G-T. GRCh37 (hg19) VCF-style: chr5-112179623-G-T.
Other names: c.8209G>T, p.Ala2737Ser (NM_001354900.2); c.8155G>T, p.Ala2719Ser (NM_001354901.2); c.8059G>T, p.Ala2687Ser (NM_001354902.2); c.8029G>T, p.Ala2677Ser (NM_001354903.2); c.7954G>T, p.Ala2652Ser (NM_001354904.2); c.7852G>T, p.Ala2618Ser (NM_001354905.2); c.7483G>T, p.Ala2495Ser (NM_001354906.2); c.8332G>T, p.Ala2778Ser (NM_001127510.3, NM_001354895.2); and 5 more; short protein forms A2760S, A2778S, A2677S, A2687S, A2719S, A2737S, A2788S, A2796S.
Identifiers: ClinVar variation 133537 (VCV000133537.29), dbSNP rs587778046, ClinGen allele CA014561.
Genomic context (GRCh38, chr5:112,843,926, plus strand): 5'-GAACGTACCCCATTCAGTTCTAGCAGCTCAAGCAAACACAGTTCACCTAGTGGGACTGTT[G>T]CTGCCAGAGTGACTCCTTTTAATTACAACCCAAGCCCTAGGAAAAGCAGCGCAGATAGCA-3'
Protein context (NP_000029.2, residues 2768-2788): SKHSSPSGTV[Ala2778Ser]ARVTPFNYNP